The following is an entry in ClinVar:

NM_000540.3(RYR1):c.1431C>G (p.Phe477Leu)

Gene: RYR1 (ryanodine receptor 1; plus strand). Cytogenetic location: 19q13.2.
Variant type: single nucleotide variant.
Coding change: c.1431C>G on transcript NM_000540.3 (MANE Select); coding-DNA position 1431, C replaced by G.
Protein change: p.Phe477Leu; replaces phenylalanine 477 with leucine.
Molecular consequence: missense variant.
Genome position (GRCh38, 1-based): chr19:38,453,005, C>G. VCF-style: chr19-38453005-C-G. GRCh37 (hg19) VCF-style: chr19-38943645-C-G.
Other names: c.1431C>G, p.Phe477Leu (NM_001042723.2); short protein forms F477L.
Identifiers: ClinVar variation 3072774 (VCV003072774.2), dbSNP rs1204983982, ClinGen allele CA405686825.

ClinVar aggregate classification (germline): Uncertain significance. Review status: criteria provided, multiple submitters, no conflicts (2 of 4 stars). 2 submissions from 2 submitters: Uncertain significance (2). Last evaluated 2024-11-20.

Conditions:
Malignant hyperthermia, susceptibility to, 1 (MHS1). Also called: Anesthesia related hyperthermia; Malignant hyperpyrexia; Fulminating hyperpyrexia; Pharmacogenic myopathy; RYR1-Related Malignant Hyperthermia Susceptibility; Malignant hyperthermia suceptibility 1. Identifiers: Orphanet 423, MedGen C2930980, MONDO:0007783, OMIM 145600.
RYR1-related disorder. Also called: RYR1-related condition; RYR1-related disorders. Identifiers: MedGen CN239331.

Allele frequency attached by ClinVar (database versions not stated): gnomAD 0.00001; TOPMed 0.00001.

Submissions (2):

Labcorp Genetics (formerly Invitae), Labcorp
Classification: Uncertain significance for RYR1-related disorder. Last evaluated: 2024-11-20. Review status: criteria provided, single submitter. Criteria: Invitae Variant Classification Sherloc (09022015). Collection method: clinical testing. Allele origin: germline.
Comment: This sequence change replaces phenylalanine, which is neutral and non-polar, with leucine, which is neutral and non-polar, at codon 477 of the RYR1 protein (p.Phe477Leu). This variant is not present in population databases (gnomAD no frequency). This variant has not been reported in the literature in individuals affected with RYR1-related conditions. ClinVar contains an entry for this variant (Variation ID: 3072774). Invitae Evidence Modeling of protein sequence and biophysical properties (such as structural, functional, and spatial information, amino acid conservation, physicochemical variation, residue mobility, and thermodynamic stability) has been performed for this missense variant. However, the output from this modeling did not meet the statistical confidence thresholds required to predict the impact of this variant on RYR1 protein function. In summary, the available evidence is currently insufficient to determine the role of this variant in disease. Therefore, it has been classified as a Variant of Uncertain Significance.

All of Us Research Program, National Institutes of Health
Classification: Uncertain significance for Malignant hyperthermia, susceptibility to, 1. Last evaluated: 2023-08-15. Review status: criteria provided, single submitter. Criteria: ACMG Guidelines, 2015. Collection method: clinical testing. Allele origin: germline. Inheritance: Autosomal dominant inheritance. Observed: 1 variant allele, 1 heterozygote.
Comment: This missense variant replaces phenylalanine with leucine at codon 477 of the RYR1 protein. Computational prediction is inconclusive regarding the impact of this variant on protein structure and function (internally defined REVEL score threshold 0.5 < inconclusive < 0.7, PMID: 27666373). To our knowledge, functional studies have not been reported for this variant. This variant has not been reported in individuals affected with RYR1-related disorders in the literature. This variant has not been identified in the general population by the Genome Aggregation Database (gnomAD). The available evidence is insufficient to determine the role of this variant in disease conclusively. Therefore, this variant is classified as a Variant of Uncertain Significance.

This study involves interpretation of variants in research participants for the purpose of population health screening. Participant phenotype was not available at the time of variant classification. Additional details can be found in publication PMID: 35346344, PMCID: PMC8962531